The following is an entry in ClinVar:

ClinVar aggregate classification (germline): Pathogenic. Review status: reviewed by expert panel (3 of 4 stars). 11 submissions from 11 submitters: Pathogenic (1). 10 of the submissions do not count toward it. Last evaluated 2025-05-20.

Conditions:
Glycogen storage disease, type II (IOPD). Also called: Glycogen storage disease type 2; Acid maltase deficiency disease; Aglucosidase alfa; Deficiency of alpha-glucosidase; Deficiency of lysosomal alpha-glucosidase; POMPE DISEASE, INFANTILE-ONSET. Identifiers: Orphanet 365, MedGen C0017921, MONDO:0009290, OMIM 232300.

Allele frequency attached by ClinVar (database versions not stated): ExAC 0.00001; gnomAD exomes 0.00001.
gnomAD v4.1: 15 of 1,614,058 alleles (0.00093%); highest among the groups gnomAD compares: East Asian, 0.0022%; no homozygotes.

Submissions 1 to 8 of 11:

ClinGen Lysosomal Storage Disorder Variant Curation Expert Panel
Classification: Pathogenic for Glycogen storage disease, type II. Last evaluated: 2025-05-20. Review status: reviewed by expert panel. Criteria: clingen_lsd_acmg_specifications_v2-1. Collection method: curation. Allele origin: germline. Inheritance: Autosomal recessive inheritance.
Comment: The NM_000152.5:c.1551+1G>T variant alters the donor splice site of intron 10 in GAA. RT-PCR in fibroblasts revealed that this variant results in skipping of exon 10, with low levels of normal splicing (PMID 25243733). Skipping of exon 10 causes and in frame loss of 38 amino acids, encompassing part of the GAA catalytic barrel, and including two residues, Trp481 and Trp516, which are part of the active site (PMIDs 1856189, 22253258; DOI 10.1101/212837). Therefore, loss of this exon is expected to abolish GAA activity (PVS1). At least four probands and one sibling with this variant have been reported; for 3 individuals, documented GAA activity is available in fibroblasts or dried blood spot and is in the affected range (PMID 25243733, 25703594) (PP4_Moderate). Three of these probands, each with late-onset Pompe disease, are compound heterozygous for the variant and another variant in GAA that has been classified as pathogenic for Pompe disease by the ClinGen LD VCEP. The phase is unconfirmed in all cases. The second variant is either c.1942G>A (p.Gly648Ser) (ClinVar Variation ID: 188902) (PMID: 31606152, 0.5 points) or c.-32-13T>G (ClinVar Variation ID: 4027) (2 patients and one sibling, PMID: 25703594, 30155607; 2 x 0.5 points). Another patient is compound heterozygous for the variant and c.1256A>T (p.Asp419Val) (PMID: 25243733, 27623443). The allelic data from this patient will be used in the assessment of p.Asp419Val and is not included here in order to avoid circular logic. Total 1.5 points (PM3). The highest population minor allele frequency in gnomAD v4.1.0. is 0.00002228 in the East Asian population, which is lower than the ClinGen LD VCEP threshold (<0.001) for PM2_Supporting, meeting this criterion (PM2_Supporting). Additional variants in the same splice region have been classified as pathogenic by the ClinGen LD VCEP including c.1551+1G>A (ClinVar Variation ID: 1065143), c.1551+1G>C (ClinVar Variation ID: 554983), and c.1551+3_1551+6del (aka c.1551+1_1551+4del) (PS1_Supporting; PMID: 37352859). There is a ClinVar entry for this variant (Variation ID: 555986). In summary, this variant meets the criteria to be classified as pathogenic for Pompe disease. GAA-specific ACMG/AMP criteria met, as specified by the ClinGen LD VCEP (Specifications Version 2.0.0.): PVS1, PM3, PP4_Moderate, PS1_Supporting, PM2_Supporting. (Classification approved by the ClinGen Lysosomal Diseases Variant Curation Expert Panel on May 20, 2025)

Genomenon, Inc
Classification: Pathogenic for Glycogen storage disease, type II. Last evaluated: 2026-07-01. Review status: criteria provided, single submitter. Criteria: Genomenon Sequence Variant Interpretation Standards - Updated. Collection method: curation. Allele origin: germline. Affected: yes. Not counted in ClinVar's aggregate classification.
Comment: GAA c.1551+1G>T is a canonical splice variant affecting the donor splice site of intron 10. It is predicted to affect mRNA splicing, leading to a deleterious effect on the GAA protein. This variant has been observed in at least one proband with a GAA-related disorder (PMID:35705384;33301762;25243733;25703594). At least one splicing study has demonstrated that this variant results in aberrant splicing (PMID:27623443;25243733). It is absent or not present at a significant frequency in gnomAD. In conclusion, we classify GAA c.1551+1G>T as a pathogenic variant.

Natera, Inc.
Classification: Pathogenic for Glycogen storage disease type II. Last evaluated: 2024-07-10. Review status: criteria provided, single submitter. Criteria: Natera Variant Classification Schema (03/2026). Collection method: clinical testing. Allele origin: germline. Not counted in ClinVar's aggregate classification.
Comment: The c.1551+1G>T variant in GAA is a canonical splice donor site variant predicted to affect pre-mRNA splicing, which may result in an abnormal transcript and altered protein product. This variant is expected to result in nonsense mediated decay, truncation, or a dysfunctional protein product. This variant is rare in the general population with a frequency below the threshold expected for the associated phenotype(s). This variant has been observed in one or more individuals affected with the associated recessive disease, as either homozygous or compound heterozygous with a second variant (PMID: 33301762, 31086307). Given the available evidence, this variant is classified as Pathogenic.

Institute of Medical Genetics and Genomics, Sir Ganga Ram Hospital
Classification: Pathogenic for Glycogen storage disease, type II. Last evaluated: 2023-06-22. Review status: criteria provided, single submitter. Criteria: ACMG Guidelines, 2015. Collection method: clinical testing. Allele origin: germline. Inheritance: Autosomal recessive inheritance. Affected: yes. Observed: 1 homozygote. Not counted in ClinVar's aggregate classification.

Laboratory for Molecular Medicine, Mass General Brigham Personalized Medicine
Classification: Pathogenic for Glycogen storage disease, type II. Last evaluated: 2022-11-03. Review status: criteria provided, single submitter. Criteria: ACMG Guidelines, 2015. Collection method: clinical testing. Allele origin: germline. Not counted in ClinVar's aggregate classification.
Comment: The c.1551+1G>T variant in GAA has been reported in at least five individuals with glycogen storage disease II (3 in the compound heterozygous state) and segregated with disease in 1 family member (Gesquière-Dando 2015 PMID: 25703594, Bali 2012 PMID: 22252923, Bergsma 2015 PMID: 25243733, Kishnani 2019 PMID: 31086307). It has been reported in ClinVar (Variation ID 555986) and was absent from large population databases. This variant occurs in the invariant region (+/- 1/2) of the splice consensus sequence, and in vitro functional studies suggest it causes in-frame exon 10 skipping and a leaky wild-type splice site leading to an abnormal or absent protein (Gesquière-Dando 2015 PMID: 25703594, Bergsma 2015 PMID: 25243733). Loss of function of the GAA gene is an established disease mechanism in autosomal recessive glycogen storage disease II. In summary, this variant meets criteria to be classified as pathogenic for autosomal recessive glycogen storage disease II. ACMG/AMP Criteria applied: PM3_Strong, PM2_Supporting, PS3_Moderate, PM4.

Labcorp Genetics (formerly Invitae), Labcorp
Classification: Pathogenic for Glycogen storage disease, type II. Last evaluated: 2022-04-01. Review status: criteria provided, single submitter. Criteria: Invitae Variant Classification Sherloc (09022015). Collection method: clinical testing. Allele origin: germline. Not counted in ClinVar's aggregate classification.
Comment: For these reasons, this variant has been classified as Pathogenic. Studies have shown that disruption of this splice site results in skipping of exon 10, but is expected to preserve the integrity of the reading-frame (PMID: 25243733). ClinVar contains an entry for this variant (Variation ID: 555986). Disruption of this splice site has been observed in individual(s) with Pompe disease (PMID: 25243733, 31086307). This variant is present in population databases (rs770780848, gnomAD 0.003%). This sequence change affects a donor splice site in intron 10 of the GAA gene. RNA analysis indicates that disruption of this splice site induces altered splicing and likely results in a shortened protein product.

Kariminejad - Najmabadi Pathology & Genetics Center
Classification: Pathogenic for Glycogen storage disease, type II. Last evaluated: 2021-07-27. Review status: criteria provided, single submitter. Criteria: ACMG Guidelines, 2015. Collection method: clinical testing. Allele origin: germline. Inheritance: Autosomal recessive inheritance. Affected: yes. Not counted in ClinVar's aggregate classification.
Comment: PM2, PVS1, PP5

Fulgent Genetics
Classification: Pathogenic for Glycogen storage disease, type II. Last evaluated: 2021-07-23. Review status: criteria provided, single submitter. Criteria: ACMG Guidelines, 2015. Collection method: clinical testing. Allele origin: unknown. Not counted in ClinVar's aggregate classification.

NM_000152.5(GAA):c.1551+1G>T

Gene: GAA (alpha glucosidase; plus strand). Cytogenetic location: 17q25.3.
Variant type: single nucleotide variant.
Coding change: c.1551+1G>T on transcript NM_000152.5 (MANE Select); the canonical splice donor site of the intron after coding-DNA position 1551, G replaced by T.
Molecular consequence: splice donor variant.
Genome position (GRCh38, 1-based): chr17:80,110,841, G>T. VCF-style: chr17-80110841-G-T. GRCh37 (hg19) VCF-style: chr17-78084640-G-T.
Other names: c.1551+1G>T (NM_001406741.1, NM_001406742.1, NM_001079803.3 and 1 more transcripts).
Identifiers: ClinVar variation 555986 (VCV000555986.19), dbSNP rs770780848, ClinGen allele CA8815365.